The following is an entry in ClinVar:

ClinVar aggregate classification (germline): Uncertain significance. Review status: criteria provided, multiple submitters, no conflicts (2 of 4 stars). 3 submissions from 3 submitters: Uncertain significance (2). 1 of the submissions does not count toward it. Last evaluated 2026-07-07.

Conditions:
Familial cancer of breast. Also called: Hereditary breast cancer; hereditary breast carcinoma; BREAST CANCER, FAMILIAL. Identifiers: Orphanet 227535, MedGen C0346153, MONDO:0016419, OMIM 114480. Disease mechanism: loss of function.
Hereditary cancer-predisposing syndrome. Also called: Tumor predisposition; Hereditary neoplastic syndrome; Neoplastic Syndromes, Hereditary; Hereditary Cancer Syndrome. Identifiers: Orphanet 140162, MedGen C0027672, MeSH D009386, MONDO:0015356.

Allele frequency attached by ClinVar (database versions not stated): gnomAD exomes below 0.00001.
gnomAD v4.1: 1 of 1,614,132 alleles (0.000062%); no homozygotes.

Submissions (3):

Ambry Genetics
Classification: Uncertain significance for Hereditary cancer-predisposing syndrome. Last evaluated: 2026-07-07. Review status: criteria provided, single submitter. Criteria: Ambry Variant Classification Scheme 2023. Collection method: clinical testing. Allele origin: germline.
Comment: The p.L1101F variant (also known as c.3301C>T), located in coding exon 12 of the PALB2 gene, results from a C to T substitution at nucleotide position 3301. The leucine at codon 1101 is replaced by phenylalanine, an amino acid with highly similar properties. This amino acid position is conserved. In addition, this alteration is predicted to be tolerated by in silico analysis. Based on the available evidence, the clinical significance of this variant remains unclear.

Labcorp Genetics (formerly Invitae), Labcorp
Classification: Uncertain significance for Familial cancer of breast. Last evaluated: 2020-02-17. Review status: criteria provided, single submitter. Criteria: Invitae Variant Classification Sherloc (09022015). Collection method: clinical testing. Allele origin: germline.
Comment: This variant is not present in population databases (ExAC no frequency). This sequence change replaces leucine with phenylalanine at codon 1101 of the PALB2 protein (p.Leu1101Phe). The leucine residue is moderately conserved and there is a small physicochemical difference between leucine and phenylalanine. This variant has not been reported in the literature in individuals with PALB2-related conditions. Algorithms developed to predict the effect of missense changes on protein structure and function are either unavailable or do not agree on the potential impact of this missense change (SIFT: "Deleterious"; PolyPhen-2: "Benign"; Align-GVGD: "Class C0"). In summary, the available evidence is currently insufficient to determine the role of this variant in disease. Therefore, it has been classified as a Variant of Uncertain Significance.

Leiden Open Variation Database
Classification: Uncertain significance. Last evaluated: 2019-05-13. Review status: no assertion criteria provided. Collection method: curation. Allele origin: germline. Affected: yes. Not counted in ClinVar's aggregate classification.
Comment: Curators: Marc Tischkowitz, Arleen D. Auerbach. Submitter to LOVD: Andreas Laner.

NM_024675.4(PALB2):c.3301C>T (p.Leu1101Phe)

Gene: PALB2 (partner and localizer of BRCA2; minus strand). Cytogenetic location: 16p12.2.
Variant type: single nucleotide variant.
Coding change: c.3301C>T on transcript NM_024675.4 (MANE Select); coding-DNA position 3301, C replaced by T.
Protein change: p.Leu1101Phe; replaces leucine 1101 with phenylalanine.
Molecular consequence: missense variant.
Genome position (GRCh38, 1-based): chr16:23,607,913, G>A on the plus strand (C>T on the coding strand, the complement: PALB2 is on the minus strand). VCF-style: chr16-23607913-G-A. GRCh37 (hg19) VCF-style: chr16-23619234-G-A.
Other names: short protein forms L1101F.
Identifiers: ClinVar variation 830203 (VCV000830203.11), dbSNP rs1966507273, ClinGen allele CA395139494.